The following is an entry in ClinVar:

ClinVar aggregate classification (germline): Uncertain significance (1 of 4 stars; one submission).

gnomAD v4.1: 1 of 1,614,196 alleles (0.000062%); highest among the groups gnomAD compares: Non-Finnish European, 0.000085%; no homozygotes.

Submission:

Labcorp Genetics (formerly Invitae), Labcorp
Classification: Uncertain significance. Last evaluated: 2025-10-21. Review status: criteria provided, single submitter. Criteria: Invitae Variant Classification Sherloc (09022015). Collection method: clinical testing. Allele origin: germline.
Comment: This sequence change replaces leucine, which is neutral and non-polar, with arginine, which is basic and polar, at codon 70 of the RFWD3 protein (p.Leu70Arg). This variant is not present in population databases (gnomAD no frequency). This variant has not been reported in the literature in individuals affected with RFWD3-related conditions. ClinVar contains an entry for this variant (Variation ID: 2024455). An algorithm developed to predict the effect of missense changes on protein structure and function (PolyPhen-2) suggests that this variant is likely to be tolerated. In summary, the available evidence is currently insufficient to determine the role of this variant in disease. Therefore, it has been classified as a Variant of Uncertain Significance.

NM_018124.4(RFWD3):c.209T>G (p.Leu70Arg)

Gene: RFWD3 (ring finger and WD repeat domain 3; minus strand). Cytogenetic location: 16q23.1.
Variant type: single nucleotide variant.
Coding change: c.209T>G on transcript NM_018124.4 (MANE Select); coding-DNA position 209, T replaced by G.
Protein change: p.Leu70Arg; replaces leucine 70 with arginine.
Molecular consequence: missense variant. On other transcripts: 5 prime UTR variant (4), intron variant (1).
Genome position (GRCh38, 1-based): chr16:74,661,241, A>C on the plus strand (T>G on the coding strand, the complement: RFWD3 is on the minus strand). VCF-style: chr16-74661241-A-C. GRCh37 (hg19) VCF-style: chr16-74695139-A-C.
Other names: c.209T>G, p.Leu70Arg (NM_001370534.1, NM_001370535.1, NM_001370536.1); c.-800T>G (NM_001370537.1); c.-423T>G (NM_001370539.1, NM_001370541.1); c.-677T>G (NM_001370542.1); c.-555T>G (NM_001370543.1); c.-317+3383T>G (NM_001370540.1); short protein forms L70R.
Identifiers: ClinVar variation 2024455 (VCV002024455.4), dbSNP rs2544143237, ClinGen allele CA396764395.